The following is an entry in ClinVar:

NM_001005242.3(PKP2):c.1616_1623dup (p.Val543fs)

Gene: PKP2 (plakophilin 2; minus strand). Cytogenetic location: 12p11.21.
Variant type: Duplication.
Coding change: c.1616_1623dup on transcript NM_001005242.3 (MANE Select); coding-DNA positions 1616 to 1623, 8 bases duplicated (TTGACTCA; older notation c.1616_1623dupTTGACTCA).
Protein change: p.Val543fs; shifts the reading frame from valine 543.
Molecular consequence: frameshift variant.
Genome position (GRCh38, 1-based): chr12:32,824,096-32,824,103, TGAGTCAA duplicated on the plus strand (TTGACTCA on the coding strand, the reverse complement: PKP2 is on the minus strand); duplicating any 8 consecutive bases within chr12:32,824,096-32,824,109 gives the same sequence; the c. name uses the placement nearest the transcript's 3' end. VCF-style (leftmost placement, unchanged base first): chr12-32824095-G-GTGAGTCAA. GRCh37 (hg19) VCF-style: chr12-32977029-G-GTGAGTCAA.
Other names: c.1748_1755dup, p.Val587fs (NM_004572.4); short protein forms V543fs, V587fs.
Identifiers: ClinVar variation 1072271 (VCV001072271.9), dbSNP rs2137783366, ClinGen allele CA913189159.

ClinVar aggregate classification (germline): Pathogenic (1 of 4 stars; one submission).

Conditions:
Arrhythmogenic right ventricular dysplasia 9 (ARVD9). Also called: Arrhythmogenic Right Ventricular Dysplasia/Cardiomyopathy 9; ARRHYTHMOGENIC RIGHT VENTRICULAR DYSPLASIA, FAMILIAL, 9. Identifiers: MedGen C1836906, MONDO:0012180, OMIM 609040.

Submission:

Labcorp Genetics (formerly Invitae), Labcorp
Classification: Pathogenic for Arrhythmogenic right ventricular dysplasia 9. Last evaluated: 2026-01-31. Review status: criteria provided, single submitter. Criteria: Invitae Variant Classification Sherloc (09022015). Collection method: clinical testing. Allele origin: germline.
Comment: This sequence change creates a premature translational stop signal (p.Val587Thrfs*72) in the PKP2 gene. It is expected to result in an absent or disrupted protein product. Loss-of-function variants in PKP2 are known to be pathogenic (PMID: 15489853, 17041889, 23911551). This variant is not present in population databases (gnomAD no frequency). This premature translational stop signal has been observed in individual(s) with arrhythmogenic right ventricular cardiomyopathy (PMID: 16415378, 27532257). This variant is also known as 1755_1756insTTGACTCA (L586fsX658). ClinVar contains an entry for this variant (Variation ID: 1072271). For these reasons, this variant has been classified as Pathogenic.

Literature cited by the submitters: PubMed 15489853; PubMed 17041889; PubMed 23911551; PubMed 16415378; PubMed 27532257.